The following is an entry in ClinVar:

NM_000135.4(FANCA):c.137C>T (p.Ser46Leu)

Gene: FANCA (FA complementation group A; minus strand). Cytogenetic location: 16q24.3.
Variant type: single nucleotide variant.
Coding change: c.137C>T on transcript NM_000135.4 (MANE Select); coding-DNA position 137, C replaced by T.
Protein change: p.Ser46Leu; replaces serine 46 with leucine.
Molecular consequence: missense variant.
Genome position (GRCh38, 1-based): chr16:89,815,929, G>A on the plus strand (C>T on the coding strand, the complement: FANCA is on the minus strand). VCF-style: chr16-89815929-G-A. GRCh37 (hg19) VCF-style: chr16-89882337-G-A.
Other names: c.137C>T, p.Ser46Leu (NM_001018112.3, NM_001286167.3, NM_001351830.2); short protein forms S46L.
Identifiers: ClinVar variation 862113 (VCV000862113.10), dbSNP rs2041098068, ClinGen allele CA397483403.

ClinVar aggregate classification (germline): Uncertain significance. Review status: criteria provided, single submitter (1 of 4 stars). 2 submissions from 2 submitters: Uncertain significance (1). 1 of the submissions does not count toward it. Last evaluated 2021-08-26.

Conditions:
Fanconi anemia (FA). Also called: Fanconi's anemia. Identifiers: Orphanet 84, MedGen C0015625, MeSH D005199, MONDO:0019391.

Allele frequency attached by ClinVar (database versions not stated): gnomAD exomes below 0.00001.
gnomAD v4.1: 1 of 1,614,146 alleles (0.000062%); highest among the groups gnomAD compares: Non-Finnish European, 0.000085%; no homozygotes.

Submissions (2):

Labcorp Genetics (formerly Invitae), Labcorp
Classification: Uncertain significance for Fanconi anemia. Last evaluated: 2021-08-26. Review status: criteria provided, single submitter. Criteria: Invitae Variant Classification Sherloc (09022015). Collection method: clinical testing. Allele origin: germline.
Comment: This sequence change replaces serine with leucine at codon 46 of the FANCA protein (p.Ser46Leu). The serine residue is weakly conserved and there is a large physicochemical difference between serine and leucine. This variant is not present in population databases (ExAC no frequency). This variant has not been reported in the literature in individuals affected with FANCA-related conditions. Algorithms developed to predict the effect of missense changes on protein structure and function are either unavailable or do not agree on the potential impact of this missense change (SIFT: "Deleterious"; PolyPhen-2: "Benign"; Align-GVGD: "Class C0"). In summary, the available evidence is currently insufficient to determine the role of this variant in disease. Therefore, it has been classified as a Variant of Uncertain Significance.

Natera, Inc.
Classification: Uncertain significance for Fanconi anemia. Last evaluated: 2020-08-03. Review status: no assertion criteria provided. Collection method: clinical testing. Allele origin: germline. Not counted in ClinVar's aggregate classification.